The following is an entry in ClinVar:

ClinVar aggregate classification (germline): Uncertain significance (1 of 4 stars; one submission).

Conditions:
Hereditary cancer-predisposing syndrome. Also called: Neoplastic Syndromes, Hereditary; Tumor predisposition; Hereditary Cancer Syndrome; Hereditary neoplastic syndrome. Identifiers: Orphanet 140162, MedGen C0027672, MeSH D009386, MONDO:0015356.

Submission:

Color Diagnostics, LLC DBA Color Health
Classification: Uncertain significance for Hereditary cancer-predisposing syndrome. Last evaluated: 2023-12-05. Review status: criteria provided, single submitter. Criteria: ACMG Guidelines, 2015. Collection method: clinical testing. Allele origin: germline.
Comment: This missense variant replaces threonine with arginine at codon 303 of the RAD51D protein. Computational prediction suggests that this variant may not impact protein structure and function (internally defined REVEL score threshold <= 0.5, PMID: 27666373). To our knowledge, functional studies have not been reported for this variant. This variant has not been reported in individuals affected with RAD51D-related disorders in the literature. This variant has not been identified in the general population by the Genome Aggregation Database (gnomAD). The available evidence is insufficient to determine the role of this variant in disease conclusively. Therefore, this variant is classified as a Variant of Uncertain Significance.

NM_002878.4(RAD51D):c.908C>G (p.Thr303Arg)

Genes: RAD51D (RAD51 paralog D; minus strand), RAD51L3-RFFL (RAD51L3-RFFL readthrough; minus strand). Cytogenetic location: 17q12.
Variant type: single nucleotide variant.
Coding change: c.908C>G on transcript NM_002878.4 (MANE Select); coding-DNA position 908, C replaced by G.
Protein change: p.Thr303Arg; replaces threonine 303 with arginine.
Molecular consequence: missense variant. On other transcripts: non-coding transcript variant (2).
Genome position (GRCh38, 1-based): chr17:35,101,032, G>C on the plus strand (C>G on the coding strand, the complement: RAD51D is on the minus strand). VCF-style: chr17-35101032-G-C. GRCh37 (hg19) VCF-style: chr17-33428051-G-C.
Other names: c.968C>G, p.Thr323Arg (NM_001142571.2); c.572C>G, p.Thr191Arg (NM_133629.3); short protein forms T191R, T323R, T303R.
Identifiers: ClinVar variation 919534 (VCV000919534.4), dbSNP rs1597855538, ClinGen allele CA399086184.